The following is an entry in ClinVar:

NM_001953.5(TYMP):c.204_206delinsATCAATG (p.Ala69fs)

Gene: TYMP (thymidine phosphorylase; minus strand). Cytogenetic location: 22q13.33.
Variant type: Indel.
Coding change: c.204_206delinsATCAATG on transcript NM_001953.5 (MANE Select); coding-DNA positions 204 to 206, CGC replaced by ATCAATG.
Protein change: p.Ala69fs; shifts the reading frame from alanine 69.
Molecular consequence: frameshift variant.
Genome position (GRCh38, 1-based): chr22:50,529,504-50,529,506, GCG replaced by CATTGAT on the plus strand (CGC replaced by ATCAATG on the coding strand, the reverse complement: TYMP is on the minus strand). VCF-style: chr22-50529504-GCG-CATTGAT. GRCh37 (hg19) VCF-style: chr22-50967933-GCG-CATTGAT.
Other names: c.204_206delinsATCAATG, p.Ala69fs (NM_001113755.3, NM_001113756.3, NM_001257988.1 and 1 more transcripts); short protein forms A69fs.
Identifiers: ClinVar variation 5010406 (VCV005010406.1).

ClinVar aggregate classification (germline): Pathogenic (1 of 4 stars; one submission).

Conditions:
Mitochondrial DNA depletion syndrome 1. Also called: POLIP SYNDROME; POLYNEUROPATHY, OPHTHALMOPLEGIA, LEUKOENCEPHALOPATHY, AND INTESTINAL PSEUDOOBSTRUCTION; Mitochondrial Neurogastrointestinal Encephalopathy Disease; MITOCHONDRIAL NEUROGASTROINTESTINAL ENCEPHALOPATHY SYNDROME, TYMP-RELATED; MNGIE, TYMP-RELATED; Mitochondrial neurogastrointestinal encephalomyopathy syndrome. Identifiers: Orphanet 298, MedGen C4551995, MONDO:0011283, OMIM 603041.

Submission:

Myriad Genetics, Inc.
Classification: Pathogenic for Mitochondrial DNA depletion syndrome 1. Last evaluated: 2026-03-19. Review status: criteria provided, single submitter. Criteria: Myriad Autosomal Dominant, Autosomal Recessive and X-Linked Classification Criteria (2023). Collection method: clinical testing. Allele origin: unknown.
Comment: NM_001953.4(TYMP):c.204_206del3ins7(A69Sfs*56) is expected to be pathogenic in the context of mitochondrial neurogastrointestinal encephalopathy disease. This variant is predicted to lead to an abnormal or absent protein product due to the creation of a premature termination codon in TYMP, a gene where loss-of-function variants are known to be pathogenic. Please note: this variant was assessed in the context of healthy population screening.